The following is an entry in ClinVar:

NM_020719.3(PRR12):c.2591C>A (p.Pro864His)

Gene: PRR12 (proline rich 12; plus strand). Cytogenetic location: 19q13.33.
Variant type: single nucleotide variant.
Coding change: c.2591C>A on transcript NM_020719.3 (MANE Select); coding-DNA position 2591, C replaced by A.
Protein change: p.Pro864His; replaces proline 864 with histidine.
Molecular consequence: missense variant.
Genome position (GRCh38, 1-based): chr19:49,596,926, C>A. VCF-style: chr19-49596926-C-A. GRCh37 (hg19) VCF-style: chr19-50100183-C-A.
Other names: short protein forms P864H.
Identifiers: ClinVar variation 2504903 (VCV002504903.1), dbSNP rs2514273262, ClinGen allele CA406875170.
Genomic context (GRCh38, chr19:49,596,926, plus strand): 5'-CACCCATGCCCCTGCAGCTCGAGGCCCACCTCCGCAGCCATGGCCTGGAGCCCGCGGCCC[C>A]CAGCCCCCGCCTGCGACCCGAGGAGAGCCTGGATCCGCCAGGCGCCATGCAGGAATTGCT-3'
Protein context (NP_065770.1, residues 854-874): LRSHGLEPAA[Pro864His]SPRLRPEESL

ClinVar aggregate classification (germline): Uncertain significance (1 of 4 stars; one submission).

Submission:

GeneDx
Classification: Uncertain significance. Last evaluated: 2022-12-08. Review status: criteria provided, single submitter. Criteria: GeneDx Variant Classification Process June 2021. Collection method: clinical testing. Allele origin: germline. Affected: yes.
Comment: Not observed at significant frequency in large population cohorts (gnomAD); In silico analysis supports that this missense variant does not alter protein structure/function; Has not been previously published as pathogenic or benign to our knowledge